The following is an entry in ClinVar:

ClinVar aggregate classification (germline): Pathogenic. Review status: criteria provided, single submitter (1 of 4 stars). 2 submissions from 2 submitters: Pathogenic (1). 1 of the submissions does not count toward it. Last evaluated 2019-05-12.

Conditions:
GPC3-related disorder. Also called: GPC3-related condition.
Wilms tumor 1 (WT1). Also called: Wilms tumor, somatic. Identifiers: Orphanet 654, MedGen CN033288, MONDO:0008679, OMIM 194070.

Submissions (2):

Labcorp Genetics (formerly Invitae), Labcorp
Classification: Pathogenic for Wilms tumor 1. Last evaluated: 2019-05-12. Review status: criteria provided, single submitter. Criteria: Invitae Variant Classification Sherloc (09022015). Collection method: clinical testing. Allele origin: germline.
Comment: This sequence change creates a premature translational stop signal (p.Gln91*) in the GPC3 gene. It is expected to result in an absent or disrupted protein product. This variant is not present in population databases (ExAC no frequency). This variant has been observed to be de novo in an individual affected with clinical features of Simpson-Golabi-Behmel syndrome (PMID: 21434539). Loss-of-function variants in GPC3 are known to be pathogenic (PMID: 10402475, 12713262, 17603795). For these reasons, this variant has been classified as Pathogenic.

PreventionGenetics, part of Exact Sciences
Classification: Pathogenic for GPC3-related condition. Last evaluated: 2024-05-31. Review status: no assertion criteria provided. Collection method: clinical testing. Allele origin: germline. Not counted in ClinVar's aggregate classification.
Comment: The GPC3 c.271C>T variant is predicted to result in premature protein termination (p.Gln91*). This variant has been reported with de novo occurrence in an individual with Simpson-Golabi-Behmel syndrome (Ratbi et al 2010. PubMed ID: 21434539). This variant has not been reported in a large population database, indicating it is rare. Nonsense variants in GPC3 are expected to be pathogenic. This variant is interpreted as pathogenic.

Literature cited by the submitters: PubMed 21434539 (cited by Labcorp Genetics (formerly Invitae), Labcorp); PubMed 10402475 (cited by Labcorp Genetics (formerly Invitae), Labcorp); PubMed 12713262 (cited by Labcorp Genetics (formerly Invitae), Labcorp); PubMed 17603795 (cited by Labcorp Genetics (formerly Invitae), Labcorp).

NM_004484.4(GPC3):c.271C>T (p.Gln91Ter)

Gene: GPC3 (glypican 3; minus strand). Cytogenetic location: Xq26.2.
Variant type: single nucleotide variant.
Coding change: c.271C>T on transcript NM_004484.4 (MANE Select); coding-DNA position 271, C replaced by T.
Protein change: p.Gln91Ter; replaces glutamine 91 with a stop codon.
Molecular consequence: nonsense. On other transcripts: intron variant (1).
Genome position (GRCh38, 1-based): chrX:133,953,116, G>A on the plus strand (C>T on the coding strand, the complement: GPC3 is on the minus strand). VCF-style: chrX-133953116-G-A. GRCh37 (hg19) VCF-style: chrX-133087143-G-A.
Other names: c.271C>T, p.Gln91Ter (NM_001164617.2, NM_001164618.2); c.175+32159C>T (NM_001164619.2); short protein forms Q91*.
Identifiers: ClinVar variation 941300 (VCV000941300.11), dbSNP rs2076400400, ClinGen allele CA414707408.